The following is an entry in ClinVar:

NM_024884.3(L2HGDH):c.99G>T (p.Arg33Ser)

Genes: L2HGDH (L-2-hydroxyglutarate dehydrogenase; minus strand), DMAC2L (distal membrane arm assembly component 2 like; plus strand). Cytogenetic location: 14q21.3.
Variant type: single nucleotide variant.
Coding change: c.99G>T on transcript NM_024884.3 (MANE Select); coding-DNA position 99, G replaced by T.
Protein change: p.Arg33Ser; replaces arginine 33 with serine.
Molecular consequence: missense variant.
Genome position (GRCh38, 1-based): chr14:50,312,052, C>A on the plus strand (G>T on the coding strand, the complement: L2HGDH is on the minus strand). VCF-style: chr14-50312052-C-A. GRCh37 (hg19) VCF-style: chr14-50778770-C-A.
Other names: short protein forms R33S.
Identifiers: ClinVar variation 158803 (VCV000158803.22), dbSNP rs35710558, ClinGen allele CA172461.

ClinVar aggregate classification (germline): Benign/Likely benign. Review status: criteria provided, multiple submitters, no conflicts (2 of 4 stars). 7 submissions from 7 submitters: Benign (4); Likely benign (2). 1 of the submissions does not count toward it. Last evaluated 2026-01-27.

Conditions:
L2HGDH-related disorder. Also called: L2HGDH-related condition.
L-2-hydroxyglutaric aciduria (L2HGA). Identifiers: Orphanet 79314, MedGen C1855995, MONDO:0009370, OMIM 236792, HP:0040144.

Allele frequency attached by ClinVar (database versions not stated): gnomAD exomes 0.00094 and 0.00259; ExAC 0.00686; ESP Exome Variant Server 0.00897; gnomAD 0.00965 and 0.01014; TOPMed 0.01082; 1000 Genomes Project 0.01398; 1000 Genomes Project 30x 0.01499.
gnomAD v4.1: 2,902 of 1,590,234 alleles (0.18%); highest among the groups gnomAD compares: African/African-American, 3.3%; 50 homozygotes.

Submissions (7):

Labcorp Genetics (formerly Invitae), Labcorp
Classification: Benign for L-2-hydroxyglutaric aciduria. Last evaluated: 2026-01-27. Review status: criteria provided, single submitter. Criteria: Invitae Variant Classification Sherloc (09022015). Collection method: clinical testing. Allele origin: germline.

Mayo Clinic Laboratories, Mayo Clinic
Classification: Benign. Last evaluated: 2024-09-23. Review status: criteria provided, single submitter. Criteria: ACMG Guidelines, 2015. Collection method: clinical testing. Allele origin: germline. Observed: 14 variant alleles.
Comment: BA1, BS2, BP4

Dubai Health Genomic Medicine Center, Dubai Health
Classification: Benign for L-2-hydroxyglutaric aciduria. Last evaluated: 2020-01-02. Review status: criteria provided, single submitter. Criteria: ACMG Guidelines, 2015. Collection method: clinical testing. Allele origin: germline. Affected: yes.

Athena Diagnostics
Classification: Benign. Last evaluated: 2017-09-25. Review status: criteria provided, single submitter. Criteria: Athena Diagnostics Criteria. Collection method: clinical testing. Allele origin: germline.

Genetic Services Laboratory, University of Chicago
Classification: Likely benign. Last evaluated: 2013-10-31. Review status: criteria provided, single submitter. Criteria: ACMG Guidelines, 2007. Collection method: clinical testing. Allele origin: germline. Inheritance: Autosomal recessive inheritance.
Comment: Likely benign based on allele frequency in 1000 Genomes Project or ESP global frequency and its presence in a patient with a rare or unrelated disease phenotype. NOT Sanger confirmed

Breakthrough Genomics
Classification: Likely benign. Review status: criteria provided, single submitter. Criteria: ACMG Guidelines, 2015. Collection method: not provided. Allele origin: germline. Inheritance: Autosomal recessive inheritance. Affected: yes.

PreventionGenetics, part of Exact Sciences
Classification: Benign for L2HGDH-related condition. Last evaluated: 2019-11-06. Review status: no assertion criteria provided. Collection method: clinical testing. Allele origin: germline. Not counted in ClinVar's aggregate classification.
Comment: This variant is classified as benign based on ACMG/AMP sequence variant interpretation guidelines (Richards et al. 2015 PMID: 25741868, with internal and published modifications).